The following is an entry in ClinVar:

NM_004551.3(NDUFS3):c.721G>A (p.Ala241Thr)

Gene: NDUFS3 (NADH:ubiquinone oxidoreductase core subunit S3; plus strand). Cytogenetic location: 11p11.2.
Variant type: single nucleotide variant.
Coding change: c.721G>A on transcript NM_004551.3 (MANE Select); coding-DNA position 721, G replaced by A.
Protein change: p.Ala241Thr; replaces alanine 241 with threonine.
Molecular consequence: missense variant.
Genome position (GRCh38, 1-based): chr11:47,584,407, G>A. VCF-style: chr11-47584407-G-A. GRCh37 (hg19) VCF-style: chr11-47605959-G-A.
Other names: short protein forms A241T.
Identifiers: ClinVar variation 1912855 (VCV001912855.4), dbSNP rs776795187, ClinGen allele CA5978083.

ClinVar aggregate classification (germline): Uncertain significance (1 of 4 stars; one submission).

Allele frequency attached by ClinVar (database versions not stated): gnomAD 0.00001; TOPMed 0.00001; ExAC 0.00002; gnomAD exomes 0.00002.

Submission:

Labcorp Genetics (formerly Invitae), Labcorp
Classification: Uncertain significance. Last evaluated: 2022-04-05. Review status: criteria provided, single submitter. Criteria: Invitae Variant Classification Sherloc (09022015). Collection method: clinical testing. Allele origin: germline.
Comment: In summary, the available evidence is currently insufficient to determine the role of this variant in disease. Therefore, it has been classified as a Variant of Uncertain Significance. Algorithms developed to predict the effect of missense changes on protein structure and function output the following: SIFT: "Tolerated"; PolyPhen-2: "Benign"; Align-GVGD: "Class C0". The threonine amino acid residue is found in multiple mammalian species, which suggests that this missense change does not adversely affect protein function. This variant has not been reported in the literature in individuals affected with NDUFS3-related conditions. This variant is present in population databases (rs776795187, gnomAD 0.006%). This sequence change replaces alanine, which is neutral and non-polar, with threonine, which is neutral and polar, at codon 241 of the NDUFS3 protein (p.Ala241Thr).